The following is an entry in ClinVar:

ClinVar aggregate classification (germline): Uncertain significance (1 of 4 stars; one submission).

Conditions:
Glutamate formiminotransferase deficiency. Also called: Arakawa syndrome 1; Formiminoglutamic aciduria. Identifiers: Orphanet 51208, MedGen C0268609, MONDO:0009240, OMIM 229100.

Submission:

Labcorp Genetics (formerly Invitae), Labcorp
Classification: Uncertain significance for Glutamate formiminotransferase deficiency. Last evaluated: 2024-09-24. Review status: criteria provided, single submitter. Criteria: Invitae Variant Classification Sherloc (09022015). Collection method: clinical testing. Allele origin: germline.
Comment: This sequence change replaces methionine, which is neutral and non-polar, with threonine, which is neutral and polar, at codon 366 of the FTCD protein (p.Met366Thr). This variant is present in population databases (no rsID available, gnomAD 0.01%). This variant has not been reported in the literature in individuals affected with FTCD-related conditions. An algorithm developed to predict the effect of missense changes on protein structure and function (PolyPhen-2) suggests that this variant is likely to be tolerated. In summary, the available evidence is currently insufficient to determine the role of this variant in disease. Therefore, it has been classified as a Variant of Uncertain Significance.

NM_206965.2(FTCD):c.1097T>C (p.Met366Thr)

Gene: FTCD (formimidoyltransferase cyclodeaminase; minus strand). Cytogenetic location: 21q22.3.
Variant type: single nucleotide variant.
Coding change: c.1097T>C on transcript NM_206965.2 (MANE Select); coding-DNA position 1097, T replaced by C.
Protein change: p.Met366Thr; replaces methionine 366 with threonine.
Molecular consequence: missense variant.
Genome position (GRCh38, 1-based): chr21:46,145,819, A>G on the plus strand (T>C on the coding strand, the complement: FTCD is on the minus strand). VCF-style: chr21-46145819-A-G. GRCh37 (hg19) VCF-style: chr21-47565733-A-G.
Other names: c.1097T>C, p.Met366Thr (NM_001320412.2, NM_006657.3); short protein forms M366T.
Identifiers: ClinVar variation 2894354 (VCV002894354.3), dbSNP rs1290655490, ClinGen allele CA410513165.
Genomic context (GRCh38, chr21:46,145,819, plus strand): 5'-CCCCCTCCCCGCCCTCCCCCCAACAACTGCGCCTCCCCTGCCCCTCCCCCCGCGCTCACC[A>G]TGGCCGCAGCGGCCGCCGCCACCGAGCCGCCCCCGGGGGCCGCAGAGCGGGCACCCACCT-3'
Protein context (NP_996848.1, residues 356-376): GGSVAAAAAA[Met366Thr]GAALGSMVGL